The following is an entry in ClinVar:

ClinVar aggregate classification (germline): Conflicting classifications of pathogenicity. Review status: criteria provided, conflicting classifications (1 of 4 stars). 2 submissions from 2 submitters: Pathogenic (1); Uncertain significance (1). Last evaluated 2026-01-21.

Conditions:
Autosomal recessive limb-girdle muscular dystrophy type 2D (LGMDR3). Also called: MUSCULAR DYSTROPHY, LIMB-GIRDLE, AUTOSOMAL RECESSIVE 3; DUCHENNE-LIKE AUTOSOMAL RECESSIVE MUSCULAR DYSTROPHY, TYPE 2; ADHALINOPATHY, PRIMARY. Identifiers: Orphanet 62, MedGen C2936332, MONDO:0011968, OMIM 608099. Disease mechanism: Affects gamma-sarcoglycan and also disrupts the integrity of the entire sarcoglycan complex..

gnomAD v4.1: 3 of 1,613,864 alleles (0.00019%); highest among the groups gnomAD compares: Admixed American, 0.005%; no homozygotes.

Submissions (2):

Labcorp Genetics (formerly Invitae), Labcorp
Classification: Pathogenic for Autosomal recessive limb-girdle muscular dystrophy type 2D. Last evaluated: 2026-01-21. Review status: criteria provided, single submitter. Criteria: Invitae Variant Classification Sherloc (09022015). Collection method: clinical testing. Allele origin: germline.
Comment: This sequence change replaces proline, which is neutral and non-polar, with leucine, which is neutral and non-polar, at codon 73 of the SGCA protein (p.Pro73Leu). This variant is present in population databases (no rsID available, gnomAD 0.006%). This missense change has been observed in individual(s) with limb-girdle muscular dystrophy (PMID: 30764848). Invitae Evidence Modeling of protein sequence and biophysical properties (such as structural, functional, and spatial information, amino acid conservation, physicochemical variation, residue mobility, and thermodynamic stability) indicates that this missense variant is expected to disrupt SGCA protein function with a positive predictive value of 95%. This variant disrupts the p.Pro73 amino acid residue in SGCA. Other variant(s) that disrupt this residue have been determined to be pathogenic (PMID: 30764848). This suggests that this residue is clinically significant, and that variants that disrupt this residue are likely to be disease-causing. For these reasons, this variant has been classified as Pathogenic.

Women's Health and Genetics/Laboratory Corporation of America, LabCorp
Classification: Uncertain significance. Last evaluated: 2025-12-18. Review status: criteria provided, single submitter. Criteria: LabCorp Variant Classification Summary - May 2015. Collection method: clinical testing. Allele origin: germline.
Comment: Variant summary: SGCA c.218C>T (p.Pro73Leu) results in a non-conservative amino acid change in the encoded protein sequence. Algorithms developed to predict the effect of missense changes on protein structure and function all suggest that this variant is likely to be disruptive. The variant allele was found at a frequency of 8e-06 in 250258 control chromosomes. The available data on variant occurrences in the general population are insufficient to allow any conclusion about variant significance. c.218C>T has been observed in at least one individual affected with Limb-Girdle Muscular Dystrophy, Autosomal Recessive (Xie_2019, Lu_2019). These data do not allow any conclusion about variant significance. To our knowledge, no experimental evidence demonstrating an impact on protein function has been reported. The following publications have been ascertained in the context of this evaluation (PMID: 30989758, 30764848). No submitters have cited clinical-significance assessments for this variant to ClinVar. Based on the evidence outlined above, the variant was classified as uncertain significance.

Literature cited by the submitters: PubMed 30764848 (cited by Labcorp Genetics (formerly Invitae), Labcorp and Women's Health and Genetics/Laboratory Corporation of America, LabCorp); PubMed 30989758 (cited by Women's Health and Genetics/Laboratory Corporation of America, LabCorp).

NM_000023.4(SGCA):c.218C>T (p.Pro73Leu)

Gene: SGCA (sarcoglycan alpha; plus strand). Cytogenetic location: 17q21.33.
Variant type: single nucleotide variant.
Coding change: c.218C>T on transcript NM_000023.4 (MANE Select); coding-DNA position 218, C replaced by T.
Protein change: p.Pro73Leu; replaces proline 73 with leucine.
Molecular consequence: missense variant. On other transcripts: non-coding transcript variant (1).
Genome position (GRCh38, 1-based): chr17:50,167,642, C>T. VCF-style: chr17-50167642-C-T. GRCh37 (hg19) VCF-style: chr17-48245003-C-T.
Other names: c.218C>T, p.Pro73Leu (NM_001135697.3); short protein forms P73L.
Identifiers: ClinVar variation 4688225 (VCV004688225.2).